The following is an entry in ClinVar:

NM_001127511.3(APC):c.-131G>A

Gene: APC (APC regulator of Wnt signaling pathway; plus strand). Cytogenetic location: 5q22.2.
Variant type: single nucleotide variant.
Coding change: c.-131G>A on transcript NM_001127511.3; 131 bases upstream of the start codon, G replaced by A.
Molecular consequence: 5 prime UTR variant. On other transcripts: non-coding transcript variant (2).
Genome position (GRCh38, 1-based): chr5:112,707,587, G>A. VCF-style: chr5-112707587-G-A. GRCh37 (hg19) VCF-style: chr5-112043284-G-A.
Other names: c.-131G>A (NM_001354897.2, NM_001354902.2, NM_001407446.1); c.-314G>A (NM_001407447.1, NM_001407452.1, NM_001407456.1 and 3 more transcripts); c.-81G>A (NM_001407448.1, NM_001407450.1, NM_001407457.1 and 1 more transcripts); c.-105G>A (NM_001407453.1); c.-1349G>A (NM_001407470.1, NM_001407472.1).
Identifiers: ClinVar variation 469831 (VCV000469831.14), dbSNP rs572582235, ClinGen allele CA124924960.
Genomic context (GRCh38, chr5:112,707,587, plus strand): 5'-TGGCGGAGGGCAAGTAGCAAGGGGGCGGGGTGTGGCCGCCGGAAGCCTAGCCGCTGCTCG[G>A]GGGGGACCTGCGGGCTCAGGCCCGGGAGCTGCGGACCGAGGTTGGCTCGATGCTGTTCCC-3'

ClinVar aggregate classification (germline): Benign. Review status: criteria provided, single submitter (1 of 4 stars). 2 submissions from 2 submitters: Benign (1). 1 of the submissions does not count toward it. Last evaluated 2026-01-16.

Conditions:
APC-related disorder. Also called: APC-related condition.
Familial adenomatous polyposis 1 (FAP1). Also called: FAMILIAL ADENOMATOUS POLYPOSIS 1, ATTENUATED; POLYPOSIS, ADENOMATOUS INTESTINAL. Identifiers: MedGen C2713442, MONDO:0021056, OMIM 175100. Disease mechanism: loss of function.

Allele frequency attached by ClinVar (database versions not stated): 1000 Genomes Project 30x 0.00062.
gnomAD v4.1: 19 of 997,898 alleles (0.0019%); highest among the groups gnomAD compares: Middle Eastern, 0.051%; no homozygotes.

Submissions (2):

Labcorp Genetics (formerly Invitae), Labcorp
Classification: Benign for Familial adenomatous polyposis 1. Last evaluated: 2026-01-16. Review status: criteria provided, single submitter. Criteria: Invitae Variant Classification Sherloc (09022015). Collection method: clinical testing. Allele origin: germline.

PreventionGenetics, part of Exact Sciences
Classification: Likely benign for APC-related condition. Last evaluated: 2022-10-24. Review status: no assertion criteria provided. Collection method: clinical testing. Allele origin: germline. Not counted in ClinVar's aggregate classification.
Comment: This variant is classified as likely benign based on ACMG/AMP sequence variant interpretation guidelines (Richards et al. 2015 PMID: 25741868, with internal and published modifications).